The following is an entry in ClinVar:

NM_007294.4(BRCA1):c.513dup (p.Gln172fs)

Gene: BRCA1 (BRCA1 DNA repair associated; minus strand). Cytogenetic location: 17q21.31.
Variant type: Duplication.
Coding change: c.513dup on transcript NM_007294.4 (MANE Select); coding-DNA position 513, one base duplicated (A; older notation c.513dupA).
Protein change: p.Gln172fs; shifts the reading frame from glutamine 172.
Molecular consequence: frameshift variant. On other transcripts: non-coding transcript variant (1).
Genome position (GRCh38, 1-based): chr17:43,099,809, T duplicated on the plus strand (A on the coding strand, the reverse complement: BRCA1 is on the minus strand). VCF-style (leftmost placement, unchanged base first): chr17-43099808-G-GT. GRCh37 (hg19) VCF-style: chr17-41251825-G-GT.
Other names: c.513dupA (NM_007294.3); c.369dup, p.Gln124Thrfs (NM_001407740.1, NM_001407741.1, NM_001407742.1 and 35 more transcripts); c.372dup, p.Gln125Thrfs (NM_001407750.1, NM_001407751.1, NM_001407752.1 and 60 more transcripts); c.300dup, p.Gln101Thrfs (NM_001407853.1, NM_001407894.1, NM_001407895.1 and 18 more transcripts); c.513dup, p.Gln172Thrfs (NM_001407854.1, NM_001407858.1, NM_001407859.1 and 95 more transcripts); c.510dup, p.Gln171Thrfs (NM_001407860.1, NM_001407861.1, NM_001407940.1 and 65 more transcripts); c.435dup, p.Gln146Thrfs (NM_001407862.1, NM_001408409.1, NM_001408411.1 and 12 more transcripts); c.432dup, p.Gln145Thrfs (NM_001407874.1, NM_001407875.1, NM_001408413.1 and 6 more transcripts); and 7 more; short protein forms Q125fs, Q172fs.
Identifiers: ClinVar variation 646923 (VCV000646923.10), dbSNP rs1597887797, ClinGen allele CA915950145.

ClinVar aggregate classification (germline): Pathogenic (1 of 4 stars; one submission).

Conditions:
Hereditary breast ovarian cancer syndrome. Also called: Hereditary breast and ovarian cancer; Hereditary breast and ovarian cancer syndrome; BRCA1- and BRCA2-Associated Hereditary Breast and Ovarian Cancer; Hereditary breast and ovarian cancer syndrome (HBOC); Breast and ovarian cancer; Hereditary breast and/or ovarian cancer syndrome. Identifiers: Orphanet 145, MedGen C0677776, MeSH D061325, MONDO:0003582. Disease mechanism: loss of function.

Submission:

Labcorp Genetics (formerly Invitae), Labcorp
Classification: Pathogenic for Hereditary breast ovarian cancer syndrome. Last evaluated: 2018-09-05. Review status: criteria provided, single submitter. Criteria: Invitae Variant Classification Sherloc (09022015). Collection method: clinical testing. Allele origin: germline.
Comment: This sequence change creates a premature translational stop signal (p.Gln172Thrfs*10) in the BRCA1 gene. It is expected to result in an absent or disrupted protein product. This variant is not present in population databases (ExAC no frequency). This variant has not been reported in the literature in individuals with BRCA1-related disease. Loss-of-function variants in BRCA1 are known to be pathogenic (PMID: 20104584). For these reasons, this variant has been classified as Pathogenic.

Literature cited by the submitters: PubMed 20104584.